The following is an entry in ClinVar:

ClinVar aggregate classification (germline): Pathogenic. Review status: criteria provided, multiple submitters, no conflicts (2 of 4 stars). 3 submissions from 3 submitters: Pathogenic (3). Last evaluated 2023-06-14.

Conditions:
Hereditary cancer-predisposing syndrome. Also called: Hereditary Cancer Syndrome; Neoplastic Syndromes, Hereditary; Hereditary neoplastic syndrome; Tumor predisposition. Identifiers: Orphanet 140162, MedGen C0027672, MeSH D009386, MONDO:0015356.
Hereditary diffuse gastric adenocarcinoma (HDGC). Also called: DIFFUSE GASTRIC AND LOBULAR BREAST CANCER SYNDROME. Identifiers: Orphanet 26106, MedGen C1708349, MONDO:0007648, OMIM 137215.

Submissions (3):

Myriad Genetics, Inc.
Classification: Pathogenic for Hereditary diffuse gastric adenocarcinoma. Last evaluated: 2023-06-14. Review status: criteria provided, single submitter. Criteria: Myriad Autosomal Dominant, Autosomal Recessive and X-Linked Classification Criteria (2023). Collection method: clinical testing. Allele origin: unknown.
Comment: This variant is considered pathogenic. This variant creates a termination codon and is predicted to result in premature protein truncation.

European Reference Network on Genetic Tumour Risk Syndromes (ERN-GENTURIS), i3s - Instituto de Investigação e Inovação em Saúde, University of Porto
Classification: Pathogenic for Hereditary diffuse gastric adenocarcinoma. Last evaluated: 2022-08-01. Review status: criteria provided, single submitter. Criteria: Lee et al. (Hum Mutat. 2018). Collection method: clinical testing. Allele origin: germline. Inheritance: Autosomal dominant inheritance. Affected: yes. Study: ERN GENTURIS.
Comment: PVS1; PS4_Supporting; PM2 (PMID: 30311375)

Ambry Genetics
Classification: Pathogenic for Hereditary cancer-predisposing syndrome. Last evaluated: 2019-12-05. Review status: criteria provided, single submitter. Criteria: Ambry Variant Classification Scheme 2023. Collection method: clinical testing. Allele origin: germline.
Comment: The p.W532* pathogenic mutation (also known as c.1595G>A), located in coding exon 11 of the CDH1 gene, results from a G to A substitution at nucleotide position 1595. This changes the amino acid from a tryptophan to a stop codon within coding exon 11. This alteration has been identified in an individual with diffuse gastric cancer (Benusiglio PR et al. J. Med. Genet., 2013 Jul;50:486-9). In addition to the clinical data presented in the literature, this alteration is expected to result in loss of function by premature protein truncation or nonsense-mediated mRNA decay. As such, this alteration is interpreted as a disease-causing mutation.

Literature cited by the submitters: PubMed 36436516 (cited by European Reference Network on Genetic Tumour Risk Syndromes (ERN-GENTURIS), i3s - Instituto de Investigação e Inovação em Saúde, University of Porto); PubMed 23709761 (cited by Ambry Genetics).

NM_004360.5(CDH1):c.1595G>A (p.Trp532Ter)

Gene: CDH1 (cadherin 1; plus strand). Cytogenetic location: 16q22.1.
Variant type: single nucleotide variant.
Coding change: c.1595G>A on transcript NM_004360.5 (MANE Select); coding-DNA position 1595, G replaced by A.
Protein change: p.Trp532Ter; replaces tryptophan 532 with a stop codon.
Molecular consequence: nonsense. On other transcripts: intron variant (1).
Genome position (GRCh38, 1-based): chr16:68,819,309, G>A. VCF-style: chr16-68819309-G-A. GRCh37 (hg19) VCF-style: chr16-68853212-G-A.
Other names: c.1412G>A, p.Trp471Ter (NM_001317184.2); c.47G>A, p.Trp16Ter (NM_001317185.2); c.-254-2692G>A (NM_001317186.2); c.1595G>A (NM_004360.4); short protein forms W471*, W532*, W16*.
Identifiers: ClinVar variation 819619 (VCV000819619.7), dbSNP rs1596960368, ClinGen allele CA396464955.